The following is an entry in ClinVar:

NM_006593.4(TBR1):c.1588_1594dup (p.Thr532fs)

Genes: TBR1 (T-box brain transcription factor 1; plus strand), LOC129935026 (ATAC-STARR-seq lymphoblastoid silent region 12060; plus strand). Cytogenetic location: 2q24.2.
Variant type: Microsatellite.
Coding change: c.1588_1594dup on transcript NM_006593.4 (MANE Select); coding-DNA positions 1588 to 1594, 7 bases duplicated (GGCTGCA; older notation c.1588_1594dupGGCTGCA).
Protein change: p.Thr532fs; shifts the reading frame from threonine 532.
Molecular consequence: frameshift variant.
Genome position (GRCh38, 1-based): chr2:161,423,766-161,423,772, GGCTGCA duplicated; duplicating any 7 consecutive bases within chr2:161,423,753-161,423,772 gives the same sequence; the c. name uses the placement nearest the transcript's 3' end. VCF-style (leftmost placement, unchanged base first): chr2-161423752-C-CGCTGCAG. GRCh37 (hg19) VCF-style: chr2-162280263-C-CGCTGCAG.
Other names: NM_006593.4(TBR1):c.1588_1594dup; p.Thr532fs; c.1588_1589insGCTGCAG (NM_006593.4); short protein forms T532fs.
Identifiers: ClinVar variation 224144 (VCV000224144.83), dbSNP rs869312704, ClinGen allele CA354967.

ClinVar aggregate classification (germline): Pathogenic/Likely pathogenic. Review status: criteria provided, multiple submitters, no conflicts (2 of 4 stars). 22 submissions from 16 submitters: Pathogenic (8); Likely pathogenic (10). 4 of the submissions do not count toward it. Last evaluated 2026-08-24.

Conditions:
Focal cortical dysplasia. Identifiers: MedGen C2938983, HP:0032046.
Delayed fine motor development. Identifiers: MedGen C4023681, HP:0010862.
Gait ataxia. Identifiers: MedGen C0751837, HP:0002066.
Seizure. Also called: Seizures. Identifiers: MedGen C0036572, HP:0001250.
Severe global developmental delay. Also called: Severe psychomotor retardation. Identifiers: MedGen C1837397, HP:0011344.
Neurodevelopmental disorder. Identifiers: MedGen C1535926, MeSH D065886, MONDO:0700092.
Inborn genetic diseases. Identifiers: MedGen C0950123, MeSH D030342.
Intellectual developmental disorder with speech delay, autism, and dysmorphic facies. Identifiers: MedGen C5231456, MONDO:0032864, OMIM 618672.
Intellectual developmental disorder with autism and speech delay. Also called: Autism 5; PHRASE SPEECH DELAY, AUTISM-RELATED; AUTS5; Autism, susceptibility to, 5; AUTISM-RELATED SPEECH DELAY. Identifiers: MedGen C1853755, MONDO:0011627, OMIM 606053.
Autistic behavior. Identifiers: MedGen C0856975, HP:0000729.
Intellectual disability. Also called: Intellectual developmental disorder; Intellectual functioning disability; intellectual disabilities. Identifiers: MedGen C3714756, MeSH D008607, MONDO:0001071, HP:0001249.
Abnormal brainstem MRI signal intensity. Identifiers: MedGen C4022749, HP:0012747.
Hypoplasia of the frontal lobes. Identifiers: MedGen C1849172, HP:0007333.
Moderate global developmental delay. Identifiers: MedGen C2237142, HP:0011343.

Submissions 1 to 10 of 22:

Kasturba Medical College, Manipal, Kasturba Medical College, Manipal, Manipal Academy of Higher Education, Manipal, India
Classification: Pathogenic for Intellectual developmental disorder with autism and speech delay. Last evaluated: 2026-08-24. Review status: criteria provided, single submitter. Criteria: ACMG Guidelines, 2015. Collection method: research. Allele origin: de novo. Inheritance: Autosomal dominant inheritance. Affected: yes. Observed: 1 variant allele, 1 heterozygote.
Comment: This variant is not observed in homozygous and/or heterozygous state in gnomAD (V4.1.0) population database and in our in-house data of 4415 exomes. This variant is likely to cause shift in the reading frame of the transcript which will either cause the transcript to undergo nonsense-mediated mRNA decay or formation of a truncated protein product.

Laboratory of Genetics, Children's Clinical University Hospital Latvia
Classification: Pathogenic. Last evaluated: 2025-02-16. Review status: criteria provided, single submitter. Criteria: ACMG Guidelines, 2015. Collection method: clinical testing. Allele origin: germline. Affected: yes.

3billion
Classification: Pathogenic for Intellectual developmental disorder with autism and speech delay. Last evaluated: 2023-07-11. Review status: criteria provided, single submitter. Criteria: ACMG Guidelines, 2015. Collection method: clinical testing. Allele origin: germline. Affected: yes.
Comment: The variant is not observed in the gnomAD v2.1.1 dataset. Predicted Consequence/Location: Frameshift: predicted to result in a loss or disruption of normal protein function through protein truncation. Multiple pathogenic variants are reported in the predicted truncated region. The variant has been observed in multiple (>3) similarly affected unrelated individuals (PMID: 28554332, 30268909, 31231135). The variant has been reported at least twice as pathogenic with clinical assertions and evidence for the classification (ClinVar ID: VCV000224144 /3billion dataset). Therefore, this variant is classified as Pathogenic according to the recommendation of ACMG/AMP guideline.

Broad Center for Mendelian Genomics, Broad Institute of MIT and Harvard
Classification: Pathogenic for Intellectual developmental disorder with speech delay, autism, and dysmorphic facies. Last evaluated: 2023-01-25. Review status: criteria provided, single submitter. Criteria: ACMG Guidelines, 2015. Collection method: curation. Allele origin: germline. Inheritance: Autosomal dominant inheritance.
Comment: Trio exome analysis showed this variant to be de novo. The p.Thr532ArgfsTer144 variant in TBR1 has been previously reported in the literature in 7 unrelated individuals with intellectual developmental disorder with autism and speech delay (PMID: 32959227, PMID: 31231135, PMID: 26757139, PMID: 24896178, PMID: 30268909, PMID: 28554332). The number of reported affected individuals with this variant is greater than expected compared to non-affected individuals with this variant. This variant was found to be de novo in at least 7 individuals with confirmed paternity and maternity (PMID: 32959227, PMID: 30268909, PMID: 24896178, PMID: 26757139, PMID: 28554332, PMID: 31231135, SCV000599285.1, SCV000747915.2, SCV000747914.2, SCV001371835.1, SCV001371828.1, SCV000747913.2, SCV001149955.1, SCV000965704.1). This variant has also been reported in ClinVar (Variation ID: 224144) and has been interpreted as pathogenic or likely pathogenic by multiple submitters. This variant was absent from large population studies. This variant is predicted to cause a frameshift, which alters the protein‚Äôs amino acid sequence beginning at position 532 and leads to a premature termination codon 144 amino acids downstream. This termination codon occurs within the terminal 50 bases of the last exon and is more likely to escape nonsense mediated decay (NMD) and result in a truncated protein. Heterozygous loss of function of the TBR1 gene is strongly associated to autosomal dominant intellectual developmental disorder with autism and speech delay. In summary, this variant meets criteria to be classified as pathogenic for intellectual developmental disorder with autism and speech delay. ACMG/AMP Criteria applied: PVS1_Supporting, PM2_Supporting, PS2_VeryStrong, PS4 (Richards 2015).

Laboratorio de Genetica e Diagnostico Molecular, Hospital Israelita Albert Einstein
Classification: Pathogenic for Intellectual developmental disorder with autism and speech delay. Last evaluated: 2022-10-03. Review status: criteria provided, single submitter. Criteria: ACMG Guidelines, 2015. Collection method: clinical testing. Allele origin: germline. Affected: yes. Observed: 1 variant allele.
Comment: ACMG classification criteria: PVS1 strong, PS4 moderated, PM2 moderated, PM6 strong

GeneDx
Classification: Pathogenic. Last evaluated: 2022-07-07. Review status: criteria provided, single submitter. Criteria: GeneDx Variant Classification Process June 2021. Collection method: clinical testing. Allele origin: germline. Affected: yes.
Comment: Frameshift variant predicted to result in protein truncation, as the last 151 amino acids are replaced with 143 different amino acids, and other loss-of-function variants have been reported downstream in the Human Gene Mutation Database (HGMD); Not observed in large population cohorts (gnomAD); This variant is associated with the following publications: (PMID: 24896178, 30268909, 26757139, 28554332, 31231135, 32959227)

Women's Health and Genetics/Laboratory Corporation of America, LabCorp
Classification: Pathogenic for Intellectual developmental disorder with autism and speech delay. Last evaluated: 2021-06-22. Review status: criteria provided, single submitter. Criteria: LabCorp Variant Classification Summary - May 2015. Collection method: clinical testing. Allele origin: germline.
Comment: Variant summary: TBR1 c.1588_1594dupGGCTGCA (p.Thr532ArgfsX144) results in a premature termination codon, predicted to cause a truncation of the encoded protein or absence of the protein due to nonsense mediated decay, which are commonly known mechanisms for disease. The variant was absent in 104902 control chromosomes (gnomAD). c.1588_1594dupGGCTGCA has been reported in the literature as a de-novo occurrence in multiple individuals affected with intellectual disability (e.g. Gilissen_2014, Thevenon_2016, Bowling_2017, Vegas_2018, Bruel_2019). These data indicate that the variant is likely to be associated with disease. To our knowledge, no experimental evidence demonstrating an impact on protein function has been reported. Twelve ClinVar submissions (evaluation after 2014) cite the variant as pathogenic (n=3) and likely pathogenic (n=9), including eight reports of the variant as de-novo in origin. Based on the evidence outlined above, the variant was classified as pathogenic.

Institute of Human Genetics Munich, TUM University Hospital
Classification: Pathogenic for Intellectual developmental disorder with autism and speech delay. Last evaluated: 2019-06-07. Review status: criteria provided, single submitter. Criteria: Classification criteria August 2017. Collection method: clinical testing. Allele origin: de novo. Inheritance: Autosomal dominant inheritance. Affected: yes. Observed: 1 heterozygote.

Equipe Genetique des Anomalies du Developpement, Université de Bourgogne
Classification: Likely pathogenic for Severe global developmental delay; Autistic behavior; Delayed fine motor development; Abnormal brainstem MRI signal intensity. Last evaluated: 2019-01-12. Review status: criteria provided, single submitter. Criteria: ACMG Guidelines, 2015. Collection method: clinical testing. Allele origin: de novo. Affected: yes. Observed: 1 variant allele.

Equipe Genetique des Anomalies du Developpement, Université de Bourgogne
Classification: Likely pathogenic for Severe global developmental delay; Delayed fine motor development; Gait ataxia; Focal cortical dysplasia; Seizure. Last evaluated: 2018-10-15. Review status: criteria provided, single submitter. Criteria: ACMG Guidelines, 2015. Collection method: clinical testing. Allele origin: de novo. Affected: yes. Observed: 1 variant allele.